The following is an entry in ClinVar:

NM_004991.4(MECOM):c.1025A>T (p.His342Leu)

Gene: MECOM (MDS1 and EVI1 complex locus; minus strand). Cytogenetic location: 3q26.2.
Variant type: single nucleotide variant.
Coding change: c.1025A>T on transcript NM_004991.4 (MANE Select); coding-DNA position 1025, A replaced by T.
Protein change: p.His342Leu; replaces histidine 342 with leucine.
Molecular consequence: missense variant.
Genome position (GRCh38, 1-based): chr3:169,121,163, T>A on the plus strand (A>T on the coding strand, the complement: MECOM is on the minus strand). VCF-style: chr3-169121163-T-A. GRCh37 (hg19) VCF-style: chr3-168838951-T-A.
Other names: c.656A>T, p.His219Leu (NM_001105077.4); c.461A>T, p.His154Leu (NM_001105078.4, NM_001164000.2, NM_001205194.2 and 5 more transcripts); c.464A>T, p.His155Leu (NM_001163999.2, NM_001366467.2, NM_001366468.2 and 1 more transcripts); c.1025A>T, p.His342Leu (NM_001366466.2, NM_001366473.2); short protein forms H154L, H155L, H219L, H342L.
Identifiers: ClinVar variation 4859745 (VCV004859745.1).
Genomic context (GRCh38, chr3:169,121,163, plus strand): 5'-CCCGACGAAGTGGCAAACGTTTTGCCACACTCCGGGCATGCATGGGCCCGGGCACCGACA[T>A]GCTGAGAGCGAATGTGCCGCTGAAGGTTGCTAGGGTCCGTGAAAACCTGCTAGGAAATGA-3'
Protein context (NP_004982.2, residues 332-352): SNLQRHIRSQ[His342Leu]VGARAHACPE

ClinVar aggregate classification (germline): Uncertain significance (1 of 4 stars; one submission).

Conditions:
Inborn genetic diseases. Identifiers: MedGen C0950123, MeSH D030342.

Submission:

Ambry Genetics
Classification: Uncertain significance for Inborn genetic diseases. Last evaluated: 2026-04-20. Review status: criteria provided, single submitter. Criteria: Ambry Variant Classification Scheme 2023. Collection method: clinical testing. Allele origin: germline.
Comment: The p.H342L variant (also known as c.1025A>T), located in coding exon 7 of the MECOM gene, results from an A to T substitution at nucleotide position 1025. The histidine at codon 342 is replaced by leucine, an amino acid with similar properties. This amino acid position is conserved. In addition, this alteration is predicted to be deleterious by in silico analysis. Based on the available evidence, the clinical significance of this variant remains unclear.